The following is an entry in ClinVar:

ClinVar aggregate classification (germline): Uncertain significance. Review status: criteria provided, multiple submitters, no conflicts (2 of 4 stars). 2 submissions from 2 submitters: Uncertain significance (2). Last evaluated 2026-04-24.

Conditions:
Early-infantile DEE. Also called: Ohtahara syndrome; Early infantile epileptic encephalopathy; Early infantile epileptic encephalopathy with suppression bursts. Identifiers: Orphanet 1934, MedGen C0393706, MONDO:0800491.
SPTAN1-related disorder. Also called: SPTAN1-related disorders; SPTAN1-related condition.

Submissions (2):

PreventionGenetics, part of Exact Sciences
Classification: Uncertain significance for SPTAN1-related condition. Last evaluated: 2026-04-24. Review status: criteria provided, single submitter. Criteria: ACMG Guidelines, 2015. Collection method: clinical testing. Allele origin: germline.
Comment: The SPTAN1 c.373A>T variant is predicted to result in the amino acid substitution p.Met125Leu. To our knowledge, this variant has not been reported in the literature or in a large population database (gnomAD), indicating this variant is rare. At this time, the clinical significance of this variant is uncertain due to the absence of conclusive functional and genetic evidence.

Labcorp Genetics (formerly Invitae), Labcorp
Classification: Uncertain significance for Early-infantile DEE. Last evaluated: 2022-08-15. Review status: criteria provided, single submitter. Criteria: Invitae Variant Classification Sherloc (09022015). Collection method: clinical testing. Allele origin: germline.
Comment: In summary, the available evidence is currently insufficient to determine the role of this variant in disease. Therefore, it has been classified as a Variant of Uncertain Significance. Algorithms developed to predict the effect of missense changes on protein structure and function output the following: SIFT: "Tolerated"; PolyPhen-2: "Benign"; Align-GVGD: "Class C0". The leucine amino acid residue is found in multiple mammalian species, which suggests that this missense change does not adversely affect protein function. This variant has not been reported in the literature in individuals affected with SPTAN1-related conditions. This variant is not present in population databases (gnomAD no frequency). This sequence change replaces methionine, which is neutral and non-polar, with leucine, which is neutral and non-polar, at codon 125 of the SPTAN1 protein (p.Met125Leu).

NM_001130438.3(SPTAN1):c.373A>T (p.Met125Leu)

Gene: SPTAN1 (spectrin alpha, non-erythrocytic 1; plus strand). Cytogenetic location: 9q34.11.
Variant type: single nucleotide variant.
Coding change: c.373A>T on transcript NM_001130438.3 (MANE Select); coding-DNA position 373, A replaced by T.
Protein change: p.Met125Leu; replaces methionine 125 with leucine.
Molecular consequence: missense variant.
Genome position (GRCh38, 1-based): chr9:128,574,684, A>T. VCF-style: chr9-128574684-A-T. GRCh37 (hg19) VCF-style: chr9-131336963-A-T.
Other names: c.373A>T, p.Met125Leu (NM_001195532.2, NM_001363759.2, NM_001363765.2 and 5 more transcripts); c.409A>T, p.Met137Leu (NM_001375312.2, NM_001375318.1); c.373A>T (NM_001130438.2); short protein forms M125L, M137L.
Identifiers: ClinVar variation 2065693 (VCV002065693.5), dbSNP rs1564206483, ClinGen allele CA375052413.
Genomic context (GRCh38, chr9:128,574,684, plus strand): 5'-TCCCACAGAGCCAGTTGTGATCTGATTAAAACTCTGATTTGAAACTTTCAGACCCGTTTG[A>T]TGGAGCTGCACCGCCAGTGGGAATTACTTTTGGAGAAGATGCGAGAAAAAGGAATCAAAC-3'
Protein context (NP_001123910.1, residues 115-135): FASETIRTRL[Met125Leu]ELHRQWELLL